The following is an entry in ClinVar:

ClinVar aggregate classification (germline): Likely benign. Review status: criteria provided, multiple submitters, no conflicts (2 of 4 stars). 2 submissions from 2 submitters: Likely benign (2). Last evaluated 2023-06-29.

Conditions:
Nemaline myopathy 5 (NEM5A). Also called: Nemaline myopathy 5, Amish type; NEMALINE MYOPATHY, AMISH TYPE; NEMALINE MYOPATHY 5A, AUTOSOMAL RECESSIVE, SEVERE INFANTILE. Identifiers: Orphanet 98902, MedGen C1854380, MONDO:0011539, OMIM 605355.

Allele frequency attached by ClinVar (database versions not stated): gnomAD exomes below 0.00001; ExAC 0.00001; TOPMed 0.00001; ESP Exome Variant Server 0.00015.

Submissions (2):

Labcorp Genetics (formerly Invitae), Labcorp
Classification: Likely benign for Nemaline myopathy 5. Last evaluated: 2023-06-29. Review status: criteria provided, single submitter. Criteria: Invitae Variant Classification Sherloc (09022015). Collection method: clinical testing. Allele origin: germline.

GeneDx
Classification: Likely benign. Last evaluated: 2016-03-25. Review status: criteria provided, single submitter. Criteria: GeneDx Variant Classification (06012015). Collection method: clinical testing. Allele origin: germline. Affected: yes.
Comment: This variant is considered likely benign or benign based on one or more of the following criteria: it is a conservative change, it occurs at a poorly conserved position in the protein, it is predicted to be benign by multiple in silico algorithms, and/or has population frequency not consistent with disease.

NM_003283.6(TNNT1):c.32+8C>T

Gene: TNNT1 (troponin T1, slow skeletal type; minus strand). Cytogenetic location: 19q13.42.
Variant type: single nucleotide variant.
Coding change: c.32+8C>T on transcript NM_003283.6 (MANE Select); 8 bases into the intron after coding-DNA position 32, C replaced by T.
Molecular consequence: intron variant.
Genome position (GRCh38, 1-based): chr19:55,147,118, G>A on the plus strand (C>T on the coding strand, the complement: TNNT1 is on the minus strand). VCF-style: chr19-55147118-G-A. GRCh37 (hg19) VCF-style: chr19-55658486-G-A.
Other names: c.32+8C>T (NM_001126133.3, NM_001126132.3, NM_001291774.2).
Identifiers: ClinVar variation 384493 (VCV000384493.4), dbSNP rs371750770, ClinGen allele CA9667678.